The following is an entry in ClinVar:

ClinVar aggregate classification (germline): Uncertain significance (1 of 4 stars; one submission).

Submission:

Labcorp Genetics (formerly Invitae), Labcorp
Classification: Uncertain significance. Last evaluated: 2021-10-10. Review status: criteria provided, single submitter. Criteria: Invitae Variant Classification Sherloc (09022015). Collection method: clinical testing. Allele origin: germline.
Comment: In summary, the available evidence is currently insufficient to determine the role of this variant in disease. Therefore, it has been classified as a Variant of Uncertain Significance. Algorithms developed to predict the effect of missense changes on protein structure and function (SIFT, PolyPhen-2, Align-GVGD) all suggest that this variant is likely to be disruptive. This variant has not been reported in the literature in individuals affected with EYS-related conditions. This variant is not present in population databases (ExAC no frequency). This sequence change replaces glutamic acid with valine at codon 926 of the EYS protein (p.Glu926Val). The glutamic acid residue is highly conserved and there is a moderate physicochemical difference between glutamic acid and valine.

NM_001142800.2(EYS):c.2777A>T (p.Glu926Val)

Gene: EYS (EGF-like photoreceptor maintenance factor; minus strand). Cytogenetic location: 6q12.
Variant type: single nucleotide variant.
Coding change: c.2777A>T on transcript NM_001142800.2 (MANE Select); coding-DNA position 2777, A replaced by T.
Protein change: p.Glu926Val; replaces glutamic acid 926 with valine.
Molecular consequence: missense variant.
Genome position (GRCh38, 1-based): chr6:64,902,182, T>A on the plus strand (A>T on the coding strand, the complement: EYS is on the minus strand). VCF-style: chr6-64902182-T-A. GRCh37 (hg19) VCF-style: chr6-65612075-T-A.
Other names: c.2777A>T, p.Glu926Val (NM_001292009.2); short protein forms E926V.
Identifiers: ClinVar variation 1385947 (VCV001385947.6), dbSNP rs1190624699, ClinGen allele CA364785712.
Genomic context (GRCh38, chr6:64,902,182, plus strand): 5'-AGATCCACACATGTTCCATTATTTTTGCAAGGTTCAGAGGAACATTCATTAATTTCAATT[T>A]CACACAGAGATCCAGAAAACCCAGGTCTGCAAATACACCTTTTAAACAAAAAATTTAGTA-3'
Protein context (NP_001136272.1, residues 916-936): CRPGFSGSLC[Glu926Val]IEINECSSEP